The following is an entry in ClinVar:

ClinVar aggregate classification (germline): Uncertain significance. Review status: criteria provided, multiple submitters, no conflicts (2 of 4 stars). 2 submissions from 2 submitters: Uncertain significance (2). Last evaluated 2024-05-16.

Conditions:
Donnai-Barrow syndrome. Also called: DBS/FOAR SYNDROME; FACIOOCULOACOUSTICORENAL SYNDROME. Identifiers: Orphanet 2143, MedGen C1857277, MONDO:0009104, OMIM 222448.

Allele frequency attached by ClinVar (database versions not stated): gnomAD 0.00001; TOPMed 0.00001.
gnomAD v4.1: 13 of 1,613,682 alleles (0.00081%); highest among the groups gnomAD compares: Admixed American, 0.0017%; no homozygotes.

Submissions (2):

Fulgent Genetics
Classification: Uncertain significance for Donnai-Barrow syndrome. Last evaluated: 2024-05-16. Review status: criteria provided, single submitter. Criteria: ACMG Guidelines, 2015. Collection method: clinical testing. Allele origin: germline.

Labcorp Genetics (formerly Invitae), Labcorp
Classification: Uncertain significance. Last evaluated: 2022-03-26. Review status: criteria provided, single submitter. Criteria: Invitae Variant Classification Sherloc (09022015). Collection method: clinical testing. Allele origin: germline.
Comment: This sequence change replaces asparagine, which is neutral and polar, with lysine, which is basic and polar, at codon 1993 of the LRP2 protein (p.Asn1993Lys). This variant is present in population databases (no rsID available, gnomAD 0.003%). This variant has not been reported in the literature in individuals affected with LRP2-related conditions. Advanced modeling of protein sequence and biophysical properties (such as structural, functional, and spatial information, amino acid conservation, physicochemical variation, residue mobility, and thermodynamic stability) performed at Invitae indicates that this missense variant is expected to disrupt LRP2 protein function. In summary, the available evidence is currently insufficient to determine the role of this variant in disease. Therefore, it has been classified as a Variant of Uncertain Significance.

NM_004525.3(LRP2):c.5979C>A (p.Asn1993Lys)

Gene: LRP2 (LDL receptor related protein 2; minus strand). Cytogenetic location: 2q31.1.
Variant type: single nucleotide variant.
Coding change: c.5979C>A on transcript NM_004525.3 (MANE Select); coding-DNA position 5979, C replaced by A.
Protein change: p.Asn1993Lys; replaces asparagine 1993 with lysine.
Molecular consequence: missense variant.
Genome position (GRCh38, 1-based): chr2:169,213,718, G>T on the plus strand (C>A on the coding strand, the complement: LRP2 is on the minus strand). VCF-style: chr2-169213718-G-T. GRCh37 (hg19) VCF-style: chr2-170070228-G-T.
Other names: short protein forms N1993K.
Identifiers: ClinVar variation 1930386 (VCV001930386.3), dbSNP rs1191400022, ClinGen allele CA349133576.